The following is an entry in ClinVar:

NM_000334.4(SCN4A):c.55C>T (p.Pro19Ser)

Gene: SCN4A (sodium voltage-gated channel alpha subunit 4; minus strand). Cytogenetic location: 17q23.3.
Variant type: single nucleotide variant.
Coding change: c.55C>T on transcript NM_000334.4 (MANE Select); coding-DNA position 55, C replaced by T.
Protein change: p.Pro19Ser; replaces proline 19 with serine.
Molecular consequence: missense variant.
Genome position (GRCh38, 1-based): chr17:63,972,787, G>A on the plus strand (C>T on the coding strand, the complement: SCN4A is on the minus strand). VCF-style: chr17-63972787-G-A. GRCh37 (hg19) VCF-style: chr17-62050147-G-A.
Other names: p.Pro19Ser; short protein forms P19S.
Identifiers: ClinVar variation 1303377 (VCV001303377.8), dbSNP rs772628295, ClinGen allele CA400640555.

ClinVar aggregate classification (germline): Uncertain significance. Review status: criteria provided, multiple submitters, no conflicts (2 of 4 stars). 5 submissions from 5 submitters: Uncertain significance (5). Last evaluated 2025-12-21.

Conditions:
Hypokalemic periodic paralysis, type 1. Also called: HypoPP; Hypokalemic Periodic Paralysis Type 1 (AD). Identifiers: Orphanet 681, MedGen C3714580, MONDO:0042979, OMIM 170400.
Potassium-aggravated myotonia. Also called: MYOTONIA CONGENITA, ACETAZOLAMIDE-RESPONSIVE; MYOTONIA CONGENITA, ATYPICAL; SODIUM CHANNEL MUSCLE DISEASE; Myotonia congenita, atypical, acetazolamide-responsive. Identifiers: Orphanet 612, Orphanet 99734, Orphanet 99735, Orphanet 99736, MedGen C2931826, MONDO:0018959, OMIM 608390.
Hypokalemic periodic paralysis, type 2 (HOKPP2). Identifiers: Orphanet 681, MedGen C2750061, MONDO:0013234, OMIM 613345.
Paramyotonia congenita of Von Eulenburg. Also called: PARALYSIS PERIODICA PARAMYOTONICA; Paramyotonia Congenita; Eulenburg disease; Myotonia congenita intermittens; Von Eulenburg paramyotonia congenita. Identifiers: Orphanet 684, MedGen C0221055, MONDO:0008195, OMIM 168300. Disease mechanism: loss of function.
Hyperkalemic periodic paralysis. Also called: Familial hyperkalemic periodic paralysis; Gamstorp disease. Identifiers: Orphanet 682, MedGen C0238357, MONDO:0008224, OMIM 170500, HP:0007215.
Congenital myasthenic syndrome 16. Identifiers: Orphanet 590, MedGen C3280112, MONDO:0013620, OMIM 614198.

gnomAD v4.1: 13 of 1,613,598 alleles (0.00081%); highest among the groups gnomAD compares: Admixed American, 0.0017%; no homozygotes.

Submissions (5):

Labcorp Genetics (formerly Invitae), Labcorp
Classification: Uncertain significance for Hyperkalemic periodic paralysis. Last evaluated: 2025-12-21. Review status: criteria provided, single submitter. Criteria: Invitae Variant Classification Sherloc (09022015). Collection method: clinical testing. Allele origin: germline.
Comment: This sequence change replaces proline, which is neutral and non-polar, with serine, which is neutral and polar, at codon 19 of the SCN4A protein (p.Pro19Ser). This variant is present in population databases (no rsID available, gnomAD 0.008%). This variant has not been reported in the literature in individuals affected with SCN4A-related conditions. ClinVar contains an entry for this variant (Variation ID: 1303377). Invitae Evidence Modeling of protein sequence and biophysical properties (such as structural, functional, and spatial information, amino acid conservation, physicochemical variation, residue mobility, and thermodynamic stability) indicates that this missense variant is not expected to disrupt SCN4A protein function with a negative predictive value of 95%. In summary, the available evidence is currently insufficient to determine the role of this variant in disease. Therefore, it has been classified as a Variant of Uncertain Significance.

Athena Diagnostics
Classification: Uncertain significance. Last evaluated: 2023-08-15. Review status: criteria provided, single submitter. Criteria: Athena Diagnostics Criteria. Collection method: clinical testing. Allele origin: unknown.
Comment: Available data are insufficient to determine the clinical significance of the variant at this time. The frequency of this variant in the general population is uninformative in assessment of its pathogenicity. Computational tools predict that this variant is not damaging.

Mayo Clinic Laboratories, Mayo Clinic
Classification: Uncertain significance. Last evaluated: 2023-07-18. Review status: criteria provided, single submitter. Criteria: ACMG Guidelines, 2015. Collection method: clinical testing. Allele origin: germline. Observed: 1 variant allele.

Fulgent Genetics
Classification: Uncertain significance for Paramyotonia congenita of Von Eulenburg; Hypokalemic periodic paralysis, type 1; Hyperkalemic periodic paralysis; Potassium-aggravated myotonia; Hypokalemic periodic paralysis, type 2; Congenital myasthenic syndrome 16. Last evaluated: 2022-01-11. Review status: criteria provided, single submitter. Criteria: ACMG Guidelines, 2015. Collection method: clinical testing. Allele origin: unknown.

GeneDx
Classification: Uncertain significance. Last evaluated: 2021-03-24. Review status: criteria provided, single submitter. Criteria: GeneDx Variant Classification Process June 2021. Collection method: clinical testing. Allele origin: germline. Affected: yes.
Comment: Not observed at a significant frequency in large population cohorts (Lek et al., 2016); In silico analysis supports that this missense variant has a deleterious effect on protein structure/function; Has not been previously published as pathogenic or benign to our knowledge